The following continues an entry in ClinVar:

NM_001365536.1(SCN9A):c.684C>G (p.Ile228Met)

Gene: SCN9A. ClinVar aggregate classification (germline): Conflicting classifications of pathogenicity. Uncertain significance (19); Benign (2).

Submissions 7 to 21 of 21:

Fulgent Genetics
Classification: Uncertain significance for Primary erythromelalgia; Paroxysmal extreme pain disorder; Channelopathy-associated congenital insensitivity to pain, autosomal recessive. Last evaluated: 2024-02-21. Review status: criteria provided, single submitter. Criteria: ACMG Guidelines, 2015. Collection method: clinical testing. Allele origin: germline.

Ambry Genetics
Classification: Uncertain significance for Inborn genetic diseases. Last evaluated: 2022-11-29. Review status: criteria provided, single submitter. Criteria: Ambry Variant Classification Scheme 2023. Collection method: clinical testing. Allele origin: germline.
Comment: Unlikely to be causative of SCN9A-related neuropathic pain syndromes (AD) Based on insufficient or conflicting evidence, the clinical significance of this alteration remains unclear.

Institute of Human Genetics, University of Leipzig Medical Center
Classification: Uncertain significance for Primary erythromelalgia. Last evaluated: 2022-11-09. Review status: criteria provided, single submitter. Criteria: ACMG Guidelines, 2015. Collection method: clinical testing. Allele origin: unknown. Inheritance: Autosomal dominant inheritance. Affected: yes.
Comment: Criteria applied: PS3, PP3

Victorian Clinical Genetics Services, Murdoch Childrens Research Institute
Classification: Uncertain significance for Generalized epilepsy with febrile seizures plus, type 7. Last evaluated: 2020-05-26. Review status: criteria provided, single submitter. Criteria: ACMG Guidelines, 2015. Collection method: clinical testing. Allele origin: germline. Affected: yes.
Comment: Based on the classification scheme VCGS_Germline_v0.6.1, this variant is classified as 3B-VUS. Following criteria are met: 0103 - Both loss and gain of function are known mechanism of disease for this gene (OMIM). 0108 - This gene is known to be associated with both recessive and dominant disease (OMIM). 0112 - Variants in this gene are known to have reduced penetrance (PMID: 25993546). 0200 - Variant is predicted to result in a missense amino acid change from isoleucine to methionine (exon 6). 0302 - Variant is present in gnomAD >=0.0002 and <0.001 for dominant indication. 0501 - Missense variant consistently predicted to be damaging by in silico tools or highly conserved with a major amino acid change. 0600 - Variant is located in an annotated domain or motif that does not have a well established function (ion transport domain 1; NCBI, PDB). 0705 - No comparable variants in relevant codon/region have previous evidence for pathogenicity. 0807 - The variant has been previously reported as a VUS in association with Small fibre neuropathy and Erythromelalgia (ClinVar, PMID: 22136189, PMID: 25993546, PMID: 30672368). 0905 - No published segregation evidence has been identified for this variant. 1002 - Moderate functional evidence supporting abnormal protein function. Studies showed that this variant results in a gain of function (PMID: 22136189, PMID: 23280954).

Revvity Omics, Revvity
Classification: Uncertain significance. Last evaluated: 2020-03-24. Review status: criteria provided, single submitter. Criteria: ACMG Guidelines, 2015. Collection method: clinical testing. Allele origin: germline.

Centre for Mendelian Genomics, University Medical Centre Ljubljana
Classification: Uncertain significance for Neuropathy, hereditary sensory and autonomic, type 2A. Last evaluated: 2020-03-20. Review status: criteria provided, single submitter. Criteria: ACMG Guidelines, 2015. Collection method: clinical testing. Allele origin: unknown. Affected: yes.
Comment: This variant was classified as: Uncertain significance. The available evidence favors the pathogenic nature of this variant, however the currently available data is insufficient to conclusively support its pathogenic nature. Thus this variant is classified as Uncertain significance - favor pathogenic. The following ACMG criteria were applied in classifying this variant: PS3,PP3.

ARUP Laboratories, Molecular Genetics and Genomics, ARUP Laboratories
Classification: Uncertain significance. Last evaluated: 2020-02-03. Review status: criteria provided, single submitter. Criteria: ARUP Molecular Germline Variant Investigation Process. Collection method: clinical testing. Allele origin: germline.
Comment: The p.Ile228Met variant (rs71428908) has been reported in association with at least four disease phenotypes, including Dravet syndrome, Charcot-Marie-Tooth type II, Erythermalgia, and small fiber neuropathy (Singh, 2009; Ylikallio, 2014; Namer, 2015; Faber, 2012). These studies do not demonstrate segregation of the variant with disease; however Estacion (2011) demonstrate hyperexcitability of dorsal root ganglia neurons that express the variant. In addition, Persson (2013) showed a 20 percent reduction in neurite length by expression the variant protein in cell culture. This variant is listed in the Genome Aggregation Database (gnomAD) with a frequency of 0.16 percent in the European Non-Finnish population (identified on 205 out of 126,370 chromosomes), and has been reported to the ClinVar database (Variation ID: 198153). The isoleucine at position 228 is highly conserved up to platypus considering 12 species (Alamut v2.10) and computational analyses of the p.Ile228Met variant on protein structure and function indicate a deleterious effect (SIFT: damaging, MutationTaster: disease causing, PolyPhen-2: probably damaging). Considering the overabundance of this variant in the general population, it is likely a polymorphism, however any role in disease can not be ruled out. Altogether, there is not enough evidence to classify the p.Ile228Met variant with certainty.

Illumina Laboratory Services, Illumina
Classification: Benign for Primary erythromelalgia. Last evaluated: 2018-01-30. Review status: criteria provided, single submitter. Criteria: ICSL Variant Classification Criteria 13 December 2019. Collection method: clinical testing. Allele origin: germline.
Comment: This variant was observed as part of a predisposition screen in an ostensibly healthy population. A literature search was performed for the gene, cDNA change, and amino acid change (where applicable). Publications were found based on this search. The evidence from the literature, in combination with allele frequency data from public databases where available, was sufficient to rule this variant out of causing disease. Therefore, this variant is classified as benign.

Illumina Laboratory Services, Illumina
Classification: Uncertain significance for Channelopathy-associated congenital insensitivity to pain, autosomal recessive. Last evaluated: 2018-01-30. Review status: criteria provided, single submitter. Criteria: ICSL Variant Classification Criteria 13 December 2019. Collection method: clinical testing. Allele origin: germline.

Illumina Laboratory Services, Illumina
Classification: Benign for Paroxysmal extreme pain disorder. Last evaluated: 2018-01-30. Review status: criteria provided, single submitter. Criteria: ICSL Variant Classification Criteria 13 December 2019. Collection method: clinical testing. Allele origin: germline.
Comment: This variant was observed as part of a predisposition screen in an ostensibly healthy population. A literature search was performed for the gene, cDNA change, and amino acid change (where applicable). No publications were found based on this search. Allele frequency data from public databases was too high to be consistent with this variant causing disease. Therefore, this variant is classified as benign.

Athena Diagnostics
Classification: Uncertain significance. Last evaluated: 2018-01-24. Review status: criteria provided, single submitter. Criteria: Athena Diagnostics Criteria. Collection method: clinical testing. Allele origin: germline.

Eurofins Ntd Llc (ga)
Classification: Uncertain significance. Last evaluated: 2017-12-22. Review status: criteria provided, single submitter. Criteria: EGL Classification Definitions 2015. Collection method: clinical testing. Allele origin: germline. Observed: 4 variant alleles, 4 heterozygotes.

Fulgent Genetics
Classification: Uncertain significance for Primary erythromelalgia; Paroxysmal extreme pain disorder; Neuropathy, hereditary sensory and autonomic, type 2A; Channelopathy-associated congenital insensitivity to pain, autosomal recessive; Severe myoclonic epilepsy in infancy; Generalized epilepsy with febrile seizures plus, type 7. Last evaluated: 2017-05-23. Review status: criteria provided, single submitter. Criteria: ACMG Guidelines, 2015. Collection method: clinical testing. Allele origin: unknown.

Center for Pediatric Genomic Medicine, Children's Mercy Hospital and Clinics
Classification: Uncertain significance. Last evaluated: 2017-04-03. Review status: criteria provided, single submitter. Criteria: ACMG Guidelines, 2015. Collection method: clinical testing. Allele origin: germline.

Genetic Services Laboratory, University of Chicago
Classification: Uncertain significance. Last evaluated: 2014-10-31. Review status: criteria provided, single submitter. Criteria: ACMG Guidelines, 2015. Collection method: clinical testing. Allele origin: germline.

Literature cited by the submitters: PubMed 22136189 (cited by 7 submitters); PubMed 25993546 (cited by 5 submitters); PubMed 29911575 (cited by Labcorp Genetics (formerly Invitae), Labcorp and Ambry Genetics); PubMed 39000354 (cited by Labcorp Genetics (formerly Invitae), Labcorp and Women's Health and Genetics/Laboratory Corporation of America, LabCorp); PubMed 23280954 (cited by 5 submitters); PubMed 30316835 (cited by Labcorp Genetics (formerly Invitae), Labcorp and Ambry Genetics); PubMed 37003485 (cited by Labcorp Genetics (formerly Invitae), Labcorp and Women's Health and Genetics/Laboratory Corporation of America, LabCorp); PubMed 21698661 (cited by 4 submitters); PubMed 19763161 (cited by 3 submitters); PubMed 26264438 (cited by Ambry Genetics and Athena Diagnostics); PubMed 30672368 (cited by Victorian Clinical Genetics Services, Murdoch Childrens Research Institute); PubMed 26920677 (cited by Athena Diagnostics); PubMed 26675522 (cited by Athena Diagnostics).